The following is an entry in ClinVar:

ClinVar aggregate classification (germline): Uncertain significance (1 of 4 stars; one submission).

Allele frequency attached by ClinVar (database versions not stated): gnomAD exomes below 0.00001; TOPMed below 0.00001; gnomAD 0.00001; 1000 Genomes Project 30x 0.00031.

Submission:

Labcorp Genetics (formerly Invitae), Labcorp
Classification: Uncertain significance. Last evaluated: 2022-05-14. Review status: criteria provided, single submitter. Criteria: Invitae Variant Classification Sherloc (09022015). Collection method: clinical testing. Allele origin: germline.
Comment: This sequence change replaces isoleucine, which is neutral and non-polar, with valine, which is neutral and non-polar, at codon 1894 of the FAT4 protein (p.Ile1894Val). This variant is not present in population databases (gnomAD no frequency). This variant has not been reported in the literature in individuals affected with FAT4-related conditions. Advanced modeling of protein sequence and biophysical properties (such as structural, functional, and spatial information, amino acid conservation, physicochemical variation, residue mobility, and thermodynamic stability) performed at Invitae indicates that this missense variant is not expected to disrupt FAT4 protein function. In summary, the available evidence is currently insufficient to determine the role of this variant in disease. Therefore, it has been classified as a Variant of Uncertain Significance.

NM_001291303.3(FAT4):c.5680A>G (p.Ile1894Val)

Gene: FAT4 (FAT atypical cadherin 4; plus strand). Cytogenetic location: 4q28.1.
Variant type: single nucleotide variant.
Coding change: c.5680A>G on transcript NM_001291303.3 (MANE Select); coding-DNA position 5680, A replaced by G.
Protein change: p.Ile1894Val; replaces isoleucine 1894 with valine.
Molecular consequence: missense variant.
Genome position (GRCh38, 1-based): chr4:125,408,554, A>G. VCF-style: chr4-125408554-A-G. GRCh37 (hg19) VCF-style: chr4-126329709-A-G.
Other names: c.5680A>G, p.Ile1894Val (NM_001291285.3, NM_024582.6); short protein forms I1894V.
Identifiers: ClinVar variation 1994422 (VCV001994422.2), dbSNP rs1266913998, ClinGen allele CA358123349.
Genomic context (GRCh38, chr4:125,408,554, plus strand): 5'-GGAGAAATTACATATATTGTGAATGAAGATGATGAAGATGGCATCTTTTTCCTGAATCCT[A>G]TTACTGGGGTCTTTAATTTGACTCGATTATTAGATTATGAAGTACAGCAATATTATATCC-3'
Protein context (NP_001278232.1, residues 1884-1904): DEDGIFFLNP[Ile1894Val]TGVFNLTRLL